The following is an entry in ClinVar:

ClinVar aggregate classification (germline): Uncertain significance. Review status: criteria provided, multiple submitters, no conflicts (2 of 4 stars). 5 submissions from 4 submitters: Uncertain significance (5). Last evaluated 2025-07-03.

Conditions:
Oguchi disease. Also called: Oguchi's disease. Identifiers: Orphanet 75382, MedGen C1306122, MONDO:0019152.
Retinitis pigmentosa (RP). Identifiers: Orphanet 791, MedGen C0035334, MeSH D012174, MONDO:0019200, OMIM 268000. Inheritance: Autosomal dominant, autosomal recessive and X linked inheritance.
Inborn genetic diseases. Identifiers: MedGen C0950123, MeSH D030342.

Allele frequency attached by ClinVar (database versions not stated): ExAC 0.00003; gnomAD exomes 0.00003; gnomAD 0.00007 and 0.00008; TOPMed 0.00008.
gnomAD v4.1: 150 of 1,606,130 alleles (0.0093%); highest among the groups gnomAD compares: Non-Finnish European, 0.011%; no homozygotes.

Submissions (5):

Ambry Genetics
Classification: Uncertain significance for Inborn genetic diseases. Last evaluated: 2025-07-03. Review status: criteria provided, single submitter. Criteria: Ambry Variant Classification Scheme 2023. Collection method: clinical testing. Allele origin: germline.

Blueprint Genetics
Classification: Uncertain significance. Last evaluated: 2024-10-17. Review status: criteria provided, single submitter. Criteria: ACMG Guidelines, 2015. Collection method: clinical testing. Allele origin: germline.

Labcorp Genetics (formerly Invitae), Labcorp
Classification: Uncertain significance. Last evaluated: 2022-03-25. Review status: criteria provided, single submitter. Criteria: Invitae Variant Classification Sherloc (09022015). Collection method: clinical testing. Allele origin: germline.
Comment: This sequence change replaces alanine, which is neutral and non-polar, with threonine, which is neutral and polar, at codon 100 of the SAG protein (p.Ala100Thr). The frequency data for this variant in the population databases is considered unreliable, as metrics indicate poor data quality at this position in the gnomAD database. This missense change has been observed in individual(s) with clinical features of inherited retinal disease (Invitae). ClinVar contains an entry for this variant (Variation ID: 895288). Algorithms developed to predict the effect of missense changes on protein structure and function output the following: SIFT: "Tolerated"; PolyPhen-2: "Benign"; Align-GVGD: "Class C0". The threonine amino acid residue is found in multiple mammalian species, which suggests that this missense change does not adversely affect protein function. In summary, the available evidence is currently insufficient to determine the role of this variant in disease. Therefore, it has been classified as a Variant of Uncertain Significance.

Illumina Laboratory Services, Illumina
Classification: Uncertain significance for Retinitis pigmentosa. Last evaluated: 2017-04-28. Review status: criteria provided, single submitter. Criteria: ICSL Variant Classification Criteria 13 December 2019. Collection method: clinical testing. Allele origin: germline.

Illumina Laboratory Services, Illumina
Classification: Uncertain significance for Oguchi disease-1. Last evaluated: 2017-04-28. Review status: criteria provided, single submitter. Criteria: ICSL Variant Classification Criteria 13 December 2019. Collection method: clinical testing. Allele origin: germline.

NM_000541.5(SAG):c.298G>A (p.Ala100Thr)

Gene: SAG (S-antigen visual arrestin; plus strand). Cytogenetic location: 2q37.1.
Variant type: single nucleotide variant.
Coding change: c.298G>A on transcript NM_000541.5 (MANE Select); coding-DNA position 298, G replaced by A.
Protein change: p.Ala100Thr; replaces alanine 100 with threonine.
Molecular consequence: missense variant.
Genome position (GRCh38, 1-based): chr2:233,320,746, G>A. VCF-style: chr2-233320746-G-A. GRCh37 (hg19) VCF-style: chr2-234229392-G-A.
Other names: short protein forms A100T.
Identifiers: ClinVar variation 895288 (VCV000895288.11), dbSNP rs771117432, ClinGen allele CA2174325.
Genomic context (GRCh38, chr2:233,320,746, plus strand): 5'-GGCTTGACCTTCCGCAGGGACCTGTACTTCTCCCGGGTCCAGGTGTATCCTCCTGTGGGG[G>A]CCGCGAGCACCCCCACAAAACTGCAAGAGAGCCTGCTTAAAAAGCTGGGGAGCAACACGT-3'
Protein context (NP_000532.2, residues 90-110): SRVQVYPPVG[Ala100Thr]ASTPTKLQES